The following is an entry in ClinVar:

NM_016653.3(MAP3K20):c.1952A>G (p.His651Arg)

Genes: MAP3K20 (mitogen-activated protein kinase kinase kinase 20; plus strand), MAP3K20-AS1 (MAP3K20 antisense RNA 1; minus strand). Cytogenetic location: 2q31.1.
Variant type: single nucleotide variant.
Coding change: c.1952A>G on transcript NM_016653.3 (MANE Select); coding-DNA position 1952, A replaced by G.
Protein change: p.His651Arg; replaces histidine 651 with arginine.
Molecular consequence: missense variant.
Genome position (GRCh38, 1-based): chr2:173,266,299, A>G. VCF-style: chr2-173266299-A-G. GRCh37 (hg19) VCF-style: chr2-174131027-A-G.
Other names: short protein forms H651R.
Identifiers: ClinVar variation 2146920 (VCV002146920.3), dbSNP rs201855969, ClinGen allele CA1970999.
Genomic context (GRCh38, chr2:173,266,299, plus strand): 5'-ACCAGTCCAGAAGCTCGTCTCCTACTCAGTATGGACTGACCAAAAACTTCTCTTCCCTAC[A>G]TCTCAACTCTAGGGACAGTGGCTTTTCCAGTGGCAATACTGACACCTCTTCAGAGAGGGG-3'
Protein context (NP_057737.2, residues 641-661): YGLTKNFSSL[His651Arg]LNSRDSGFSS

ClinVar aggregate classification (germline): Uncertain significance (1 of 4 stars; one submission).

Allele frequency attached by ClinVar (database versions not stated): TOPMed 0.00002; ExAC 0.00003; gnomAD 0.00009; gnomAD exomes 0.00018; 1000 Genomes Project 0.00020; 1000 Genomes Project 30x 0.00031.
gnomAD v4.1: 272 of 1,614,016 alleles (0.017%); highest among the groups gnomAD compares: East Asian, 0.6%; 4 homozygotes.

Submission:

Labcorp Genetics (formerly Invitae), Labcorp
Classification: Uncertain significance. Last evaluated: 2024-12-05. Review status: criteria provided, single submitter. Criteria: Invitae Variant Classification Sherloc (09022015). Collection method: clinical testing. Allele origin: germline.
Comment: This sequence change replaces histidine, which is basic and polar, with arginine, which is basic and polar, at codon 651 of the MAP3K20 protein (p.His651Arg). This variant is present in population databases (rs201855969, gnomAD 0.04%). This variant has not been reported in the literature in individuals affected with MAP3K20-related conditions. ClinVar contains an entry for this variant (Variation ID: 2146920). Invitae Evidence Modeling of protein sequence and biophysical properties (such as structural, functional, and spatial information, amino acid conservation, physicochemical variation, residue mobility, and thermodynamic stability) indicates that this missense variant is not expected to disrupt MAP3K20 protein function with a negative predictive value of 95%. In summary, the available evidence is currently insufficient to determine the role of this variant in disease. Therefore, it has been classified as a Variant of Uncertain Significance.